The following is an entry in ClinVar:

NM_170606.3(KMT2C):c.9119A>C (p.Gln3040Pro)

Gene: KMT2C (lysine methyltransferase 2C; minus strand). Cytogenetic location: 7q36.1.
Variant type: single nucleotide variant.
Coding change: c.9119A>C on transcript NM_170606.3 (MANE Select); coding-DNA position 9119, A replaced by C.
Protein change: p.Gln3040Pro; replaces glutamine 3040 with proline.
Molecular consequence: missense variant.
Genome position (GRCh38, 1-based): chr7:152,176,334, T>G on the plus strand (A>C on the coding strand, the complement: KMT2C is on the minus strand). VCF-style: chr7-152176334-T-G. GRCh37 (hg19) VCF-style: chr7-151873419-T-G.
Other names: short protein forms Q3040P.
Identifiers: ClinVar variation 1710672 (VCV001710672.2), dbSNP rs2129112857, ClinGen allele CA370076300.

ClinVar aggregate classification (germline): Uncertain significance (1 of 4 stars; one submission).

Submission:

GeneDx
Classification: Uncertain significance. Last evaluated: 2022-04-15. Review status: criteria provided, single submitter. Criteria: GeneDx Variant Classification Process June 2021. Collection method: clinical testing. Allele origin: germline. Affected: yes.
Comment: Not observed at significant frequency in large population cohorts (gnomAD); In silico analysis supports that this missense variant has a deleterious effect on protein structure/function; Has not been previously published as pathogenic or benign to our knowledge